The following is an entry in ClinVar:

ClinVar aggregate classification (germline): Benign. Review status: reviewed by expert panel (3 of 4 stars). 11 submissions from 11 submitters: Benign (1). 10 of the submissions do not count toward it. Last evaluated 2025-08-01.

Conditions:
RPGR-related retinopathy. Also called: RPGR retinopathy. Identifiers: MedGen CN305589, MONDO:0100437.
Retinal dystrophy. Also called: Inherited retinal dystrophy. Identifiers: Orphanet 71862, MedGen C0854723, MeSH D058499, MONDO:0019118, HP:0000556.
Primary ciliary dyskinesia. Also called: Ciliary dyskinesia. Identifiers: Orphanet 244, MedGen C0008780, MONDO:0016575, HP:0012265.

Allele frequency attached by ClinVar (database versions not stated): gnomAD exomes 0.03734 and 0.07862; ESP Exome Variant Server 0.05473; gnomAD 0.05955 and 0.06185; TOPMed 0.07179; ExAC 0.07634; 1000 Genomes Project 0.11020; 1000 Genomes Project 30x 0.11113.
gnomAD v4.1: 47,808 of 1,206,088 alleles (4%); highest among the groups gnomAD compares: Admixed American, 18%; 1,621 homozygotes.

Submissions (11):

ClinGen X-linked Inherited Retinal Disease Variant Curation Expert Panel, ClinGen
Classification: Benign for RPGR-related retinopathy. Last evaluated: 2025-08-01. Review status: reviewed by expert panel. Criteria: ClinGen X LinkedIRD ACMG Specifications RPGR V1.0.0. Collection method: curation. Allele origin: germline. Inheritance: X-linked inheritance.
Comment: NM_001034853.2(RPGR):c.1291A>G (p.Ile431Val) is a missense variant predicted to cause substitution of isoleucine by valine at amino acid 431. This variant is present in gnomAD v4.1.0 at a frequency of 0.04121 among hemizygous individuals, with 16,241 variant alleles / 394,110 total hemizygous alleles, which is higher than the ClinGen X-linked IRD VCEP BA1 threshold of hemizygous >0.00005 (BA1). The computational predictor REVEL gives a score of 0.005, which is below the ClinGen X-linked IRD VCEP threshold of <0.016 and predicts a non-damaging effect on RPGR function. Additionally, the splicing impact predictor SpliceAI gives a delta score of 0.03, which is below the ClinGen X-linked IRD VCEP recommended threshold of <0.1 and does not strongly predict an impact on splicing (BP4_Strong). In summary, this variant is classified as benign for RPGR-related retinopathy based on the ClinGen X-linked Inherited Retinal Disease Expert Panel Specifications to the ACMG/AMP Variant Interpretation Guidelines for RPGR Version 1.0.0; BA1 and BP4_Strong. (date of approval 05/16/2025).

Labcorp Genetics (formerly Invitae), Labcorp
Classification: Benign for Primary ciliary dyskinesia. Last evaluated: 2026-02-04. Review status: criteria provided, single submitter. Criteria: Invitae Variant Classification Sherloc (09022015). Collection method: clinical testing. Allele origin: germline. Not counted in ClinVar's aggregate classification.

Women's Health and Genetics/Laboratory Corporation of America, LabCorp
Classification: Likely benign. Last evaluated: 2025-11-14. Review status: criteria provided, single submitter. Criteria: LabCorp Variant Classification Summary - May 2015. Collection method: clinical testing. Allele origin: germline. Not counted in ClinVar's aggregate classification.

Dept Of Ophthalmology, Nagoya University
Classification: Benign for Retinal dystrophy. Last evaluated: 2023-10-01. Review status: criteria provided, single submitter. Criteria: Submitter's publication. Collection method: research. Allele origin: germline. Affected: yes. Not counted in ClinVar's aggregate classification.

Mayo Clinic Laboratories, Mayo Clinic
Classification: Benign. Last evaluated: 2022-04-26. Review status: criteria provided, single submitter. Criteria: ACMG Guidelines, 2015. Collection method: clinical testing. Allele origin: germline. Observed: 10 variant alleles. Not counted in ClinVar's aggregate classification.

GeneDx
Classification: Benign. Last evaluated: 2018-07-09. Review status: criteria provided, single submitter. Criteria: GeneDx Variant Classification Process June 2021. Collection method: clinical testing. Allele origin: germline. Affected: yes. Not counted in ClinVar's aggregate classification.

Laboratory for Molecular Medicine, Mass General Brigham Personalized Medicine
Classification: Benign. Last evaluated: 2015-01-13. Review status: criteria provided, single submitter. Criteria: LMM Criteria. Collection method: clinical testing. Allele origin: germline. Observed: 1 variant allele. Not counted in ClinVar's aggregate classification.
Comment: p.Ile431Val in exon 11 of RPGR: This variant is not expected to have clinical si gnificance because it has been identified in 11.3% (434/3833) of African America n chromosomes from a broad population by the NHLBI Exome Sequencing Project (dbSNP rs62635003).

Ambry Genetics
Classification: Benign for Primary ciliary dyskinesia. Last evaluated: 2014-12-26. Review status: criteria provided, single submitter. Criteria: Ambry Variant Classification Scheme 2023. Collection method: clinical testing. Allele origin: germline. Not counted in ClinVar's aggregate classification.

Breakthrough Genomics
Classification: Benign. Review status: criteria provided, single submitter. Criteria: ACMG Guidelines, 2015. Collection method: not provided. Allele origin: germline. Inheritance: X-linked inheritance. Affected: yes. Not counted in ClinVar's aggregate classification.

PreventionGenetics, part of Exact Sciences
Classification: Benign. Review status: criteria provided, single submitter. Criteria: ACMG Guidelines, 2015. Collection method: clinical testing. Allele origin: germline. Not counted in ClinVar's aggregate classification.

Retina International
No classification provided. Review status: no classification provided. Collection method: not provided. Allele origin: unknown. Not counted in ClinVar's aggregate classification.

NM_001034853.2(RPGR):c.1291A>G (p.Ile431Val)

Gene: RPGR (retinitis pigmentosa GTPase regulator; minus strand). Cytogenetic location: Xp11.4.
Variant type: single nucleotide variant.
Coding change: c.1291A>G on transcript NM_001034853.2 (MANE Select); coding-DNA position 1291, A replaced by G.
Protein change: p.Ile431Val; replaces isoleucine 431 with valine.
Molecular consequence: missense variant. On other transcripts: non-coding transcript variant (6).
Genome position (GRCh38, 1-based): chrX:38,297,407, T>C on the plus strand (A>G on the coding strand, the complement: RPGR is on the minus strand). VCF-style: chrX-38297407-T-C. GRCh37 (hg19) VCF-style: chrX-38156660-T-C.
Other names: NM_001034853.2(RPGR):c.1291A>G; c.1291A>G, p.Ile431Val (NM_000328.3, NM_001367247.1); c.1288A>G, p.Ile430Val (NM_001367245.1, NM_001367249.1, NM_001367250.1); c.1105A>G, p.Ile369Val (NM_001367246.1, NM_001367251.1); c.1321A>G, p.Ile441Val (NM_001367248.1); short protein forms I431V, I369V, I430V, I441V.
Identifiers: ClinVar variation 98737 (VCV000098737.24), dbSNP rs62635003, ClinGen allele CA226354.